The following is an entry in ClinVar:

ClinVar aggregate classification (germline): Uncertain significance (1 of 4 stars; one submission).

Allele frequency attached by ClinVar (database versions not stated): gnomAD exomes 0.00001; ExAC 0.00006; ESP Exome Variant Server 0.00008; TOPMed 0.00014; gnomAD 0.00015; 1000 Genomes Project 30x 0.00016; 1000 Genomes Project 0.00020.
gnomAD v4.1: 41 of 1,595,984 alleles (0.0026%); highest among the groups gnomAD compares: African/African-American, 0.05%; no homozygotes.

Submission:

Labcorp Genetics (formerly Invitae), Labcorp
Classification: Uncertain significance. Last evaluated: 2022-01-03. Review status: criteria provided, single submitter. Criteria: Invitae Variant Classification Sherloc (09022015). Collection method: clinical testing. Allele origin: germline.
Comment: This sequence change replaces proline, which is neutral and non-polar, with leucine, which is neutral and non-polar, at codon 31 of the APRT protein (p.Pro31Leu). This variant is present in population databases (rs149476467, gnomAD 0.06%). This variant has not been reported in the literature in individuals affected with APRT-related conditions. Algorithms developed to predict the effect of missense changes on protein structure and function are either unavailable or do not agree on the potential impact of this missense change (SIFT: "Deleterious"; PolyPhen-2: "Probably Damaging"; Align-GVGD: "Class C0"). In summary, the available evidence is currently insufficient to determine the role of this variant in disease. Therefore, it has been classified as a Variant of Uncertain Significance.

NM_000485.3(APRT):c.92C>T (p.Pro31Leu)

Gene: APRT (adenine phosphoribosyltransferase; minus strand). Cytogenetic location: 16q24.3.
Variant type: single nucleotide variant.
Coding change: c.92C>T on transcript NM_000485.3 (MANE Select); coding-DNA position 92, C replaced by T.
Protein change: p.Pro31Leu; replaces proline 31 with leucine.
Molecular consequence: missense variant.
Genome position (GRCh38, 1-based): chr16:88,811,645, G>A on the plus strand (C>T on the coding strand, the complement: APRT is on the minus strand). VCF-style: chr16-88811645-G-A. GRCh37 (hg19) VCF-style: chr16-88878053-G-A.
Other names: c.92C>T, p.Pro31Leu (NM_001030018.2); short protein forms P31L.
Identifiers: ClinVar variation 1900905 (VCV001900905.4), dbSNP rs149476467, ClinGen allele CA8234569.